The following is an entry in ClinVar:

NM_001805.4(CEBPE):c.823A>T (p.Lys275Ter)

Gene: CEBPE (CCAAT enhancer binding protein epsilon; minus strand). Cytogenetic location: 14q11.2.
Variant type: single nucleotide variant.
Coding change: c.823A>T on transcript NM_001805.4 (MANE Select); coding-DNA position 823, A replaced by T.
Protein change: p.Lys275Ter; replaces lysine 275 with a stop codon.
Molecular consequence: nonsense.
Genome position (GRCh38, 1-based): chr14:23,117,510, T>A on the plus strand (A>T on the coding strand, the complement: CEBPE is on the minus strand). VCF-style: chr14-23117510-T-A. GRCh37 (hg19) VCF-style: chr14-23586719-T-A.
Other names: short protein forms K275*.
Identifiers: ClinVar variation 3640768 (VCV003640768.2).

ClinVar aggregate classification (germline): Uncertain significance (1 of 4 stars; one submission).

Conditions:
Specific granule deficiency. Identifiers: Orphanet 169142, MedGen C0398593, MONDO:0009506.

Submission:

Labcorp Genetics (formerly Invitae), Labcorp
Classification: Uncertain significance for Specific granule deficiency. Last evaluated: 2024-02-14. Review status: criteria provided, single submitter. Criteria: Invitae Variant Classification Sherloc (09022015). Collection method: clinical testing. Allele origin: germline.
Comment: This sequence change creates a premature translational stop signal (p.Lys275*) in the CEBPE gene. While this is not anticipated to result in nonsense mediated decay, it is expected to disrupt the last 7 amino acid(s) of the CEBPE protein. This variant is not present in population databases (gnomAD no frequency). This variant has not been reported in the literature in individuals affected with CEBPE-related conditions. Experimental studies and prediction algorithms are not available or were not evaluated, and the functional significance of this variant is currently unknown. In summary, the available evidence is currently insufficient to determine the role of this variant in disease. Therefore, it has been classified as a Variant of Uncertain Significance.